The following is an entry in ClinVar:

NM_001378457.1(DMXL2):c.8444C>T (p.Thr2815Met)

Gene: DMXL2 (Dmx like 2; minus strand). Cytogenetic location: 15q21.2.
Variant type: single nucleotide variant.
Coding change: c.8444C>T on transcript NM_001378457.1 (MANE Select); coding-DNA position 8444, C replaced by T.
Protein change: p.Thr2815Met; replaces threonine 2815 with methionine.
Molecular consequence: missense variant. On other transcripts: non-coding transcript variant (2).
Genome position (GRCh38, 1-based): chr15:51,456,148, G>A on the plus strand (C>T on the coding strand, the complement: DMXL2 is on the minus strand). VCF-style: chr15-51456148-G-A. GRCh37 (hg19) VCF-style: chr15-51748345-G-A.
Other names: c.8381C>T, p.Thr2794Met (NM_001174116.3); c.6470C>T, p.Thr2157Met (NM_001174117.3); c.8441C>T, p.Thr2814Met (NM_001378458.1); c.8156C>T, p.Thr2719Met (NM_001378459.1); c.6359C>T, p.Thr2120Met (NM_001378460.1); c.8378C>T, p.Thr2793Met (NM_015263.5); c.8381C>T (NM_001174116.1); short protein forms T2120M, T2719M, T2794M, T2157M, T2793M, T2814M, T2815M.
Identifiers: ClinVar variation 2077261 (VCV002077261.5), dbSNP rs759889759, ClinGen allele CA7561022.

ClinVar aggregate classification (germline): Uncertain significance. Review status: criteria provided, multiple submitters, no conflicts (2 of 4 stars). 2 submissions from 2 submitters: Uncertain significance (2). Last evaluated 2025-12-02.

Conditions:
DMXL2-related disorder. Also called: DMXL2-related condition.

Allele frequency attached by ClinVar (database versions not stated): ExAC 0.00002.
gnomAD v4.1: 16 of 1,614,002 alleles (0.00099%); highest among the groups gnomAD compares: East Asian, 0.022%; no homozygotes.

Submissions (2):

PreventionGenetics, part of Exact Sciences
Classification: Uncertain significance for DMXL2-related condition. Last evaluated: 2025-12-02. Review status: criteria provided, single submitter. Criteria: ACMG Guidelines, 2015. Collection method: clinical testing. Allele origin: germline.
Comment: The DMXL2 c.8381C>T variant is predicted to result in the amino acid substitution p.Thr2794Met. This variant was reported as de novo in an individual with anencephaly along with a second de novo variant in another potentially causative gene (described as p.T2157M, Wang et al. 2019. PubMed ID: 31849593). This variant is reported in 0.060% of alleles in individuals of East Asian descent in gnomAD. Although we suspect that this variant may be benign, at this time, the clinical significance of this variant is uncertain due to the absence of conclusive functional and genetic evidence.

Labcorp Genetics (formerly Invitae), Labcorp
Classification: Uncertain significance. Last evaluated: 2023-12-11. Review status: criteria provided, single submitter. Criteria: Invitae Variant Classification Sherloc (09022015). Collection method: clinical testing. Allele origin: germline.
Comment: This sequence change replaces threonine, which is neutral and polar, with methionine, which is neutral and non-polar, at codon 2794 of the DMXL2 protein (p.Thr2794Met). This variant is present in population databases (rs759889759, gnomAD 0.05%). This missense change has been observed in individual(s) with anencephaly (PMID: 31849593). This variant is also known as c.C6470T (p.T2157M). ClinVar contains an entry for this variant (Variation ID: 2077261). An algorithm developed to predict the effect of missense changes on protein structure and function (PolyPhen-2) suggests that this variant is likely to be disruptive. In summary, the available evidence is currently insufficient to determine the role of this variant in disease. Therefore, it has been classified as a Variant of Uncertain Significance.

Literature cited by the submitters: PubMed 31849593 (cited by Labcorp Genetics (formerly Invitae), Labcorp).